The following is an entry in ClinVar:

ClinVar aggregate classification (germline): Uncertain significance (1 of 4 stars; one submission).

Conditions:
Hereditary sensory and autonomic neuropathy type 6. Also called: HSAN VI; Neuropathy, hereditary sensory and autonomic, type VI. Identifiers: Orphanet 314381, MedGen C3539003, MONDO:0013839, OMIM 614653.
Epidermolysis bullosa simplex 3, localized or generalized intermediate, with BP230 deficiency (EBS3). Also called: Epidermolysis bullosa simplex due to BP230 deficiency; Epidermolysis bullosa simplex, autosomal recessive 2. Identifiers: Orphanet 412181, MedGen C3809470, MONDO:0014180, OMIM 615425.

Allele frequency attached by ClinVar (database versions not stated): gnomAD exomes below 0.00001 and 0.00001; gnomAD 0.00001; TOPMed 0.00002.
gnomAD v4.1: 5 of 1,613,988 alleles (0.00031%); highest among the groups gnomAD compares: Admixed American, 0.0017%; no homozygotes.

Submission:

Labcorp Genetics (formerly Invitae), Labcorp
Classification: Uncertain significance for Epidermolysis bullosa simplex 3, localized or generalized intermediate, with BP230 deficiency; Hereditary sensory and autonomic neuropathy type 6. Last evaluated: 2022-09-06. Review status: criteria provided, single submitter. Criteria: Invitae Variant Classification Sherloc (09022015). Collection method: clinical testing. Allele origin: germline.
Comment: ClinVar contains an entry for this variant (Variation ID: 1366328). This variant has not been reported in the literature in individuals affected with DST-related conditions. This variant is present in population databases (no rsID available, gnomAD 0.003%). This sequence change replaces glutamic acid, which is acidic and polar, with alanine, which is neutral and non-polar, at codon 1180 of the DST protein (p.Glu1180Ala). Algorithms developed to predict the effect of missense changes on protein structure and function (SIFT, PolyPhen-2, Align-GVGD) all suggest that this variant is likely to be tolerated. In summary, the available evidence is currently insufficient to determine the role of this variant in disease. Therefore, it has been classified as a Variant of Uncertain Significance.

NM_001723.7(DST):c.3539A>C (p.Glu1180Ala)

Gene: DST (dystonin; minus strand). Cytogenetic location: 6p12.1.
Variant type: single nucleotide variant.
Coding change: c.3539A>C on transcript NM_001723.7 (MANE Plus Clinical); coding-DNA position 3539, A replaced by C.
Protein change: p.Glu1180Ala; replaces glutamic acid 1180 with alanine.
Molecular consequence: missense variant. On other transcripts: intron variant (10).
Genome position (GRCh38, 1-based): chr6:56,620,495, T>G on the plus strand (A>C on the coding strand, the complement: DST is on the minus strand). VCF-style: chr6-56620495-T-G. GRCh37 (hg19) VCF-style: chr6-56485293-T-G.
Other names: c.4830+4035A>C (NM_001144769.5); c.4929+4035A>C (NM_001374722.1, NM_001374736.1); c.4956+4035A>C (NM_001374734.1); c.4416+4035A>C (NM_001144770.2); c.4296+4035A>C (NM_001374730.1, NM_001386100.1, NM_183380.4 and 1 more transcripts); c.3318+4035A>C (NM_015548.5); short protein forms E1180A.
Identifiers: ClinVar variation 1366328 (VCV001366328.6), dbSNP rs1307584148, ClinGen allele CA364571676.